The following is an entry in ClinVar:

ClinVar aggregate classification (germline): Uncertain significance (1 of 4 stars; one submission).

Conditions:
Hereditary spastic paraplegia 3A (SPG3A). Also called: SPASTIC PARAPLEGIA 3, AUTOSOMAL DOMINANT; FAMILIAL SPASTIC PARAPLEGIA, AUTOSOMAL DOMINANT, 1; SPG3; STRUMPELL DISEASE; Spastic Paraplegia 3A; Spastic paraplegia 3A, autosomal dominant. Identifiers: Orphanet 100984, MedGen C2931355, MONDO:0008437, OMIM 182600.

Allele frequency attached by ClinVar (database versions not stated): gnomAD exomes below 0.00001; gnomAD 0.00002; TOPMed 0.00002.
gnomAD v4.1: 6 of 1,614,096 alleles (0.00037%); highest among the groups gnomAD compares: African/African-American, 0.0067%; no homozygotes.

Submission:

Labcorp Genetics (formerly Invitae), Labcorp
Classification: Uncertain significance for Hereditary spastic paraplegia 3A. Last evaluated: 2023-10-03. Review status: criteria provided, single submitter. Criteria: Invitae Variant Classification Sherloc (09022015). Collection method: clinical testing. Allele origin: germline.
Comment: This sequence change replaces isoleucine, which is neutral and non-polar, with methionine, which is neutral and non-polar, at codon 425 of the ATL1 protein (p.Ile425Met). This variant is present in population databases (no rsID available, gnomAD 0.004%). This variant has not been reported in the literature in individuals affected with ATL1-related conditions. ClinVar contains an entry for this variant (Variation ID: 471246). Advanced modeling of protein sequence and biophysical properties (such as structural, functional, and spatial information, amino acid conservation, physicochemical variation, residue mobility, and thermodynamic stability) performed at Invitae indicates that this missense variant is not expected to disrupt ATL1 protein function. In summary, the available evidence is currently insufficient to determine the role of this variant in disease. Therefore, it has been classified as a Variant of Uncertain Significance.

NM_015915.5(ATL1):c.1275A>G (p.Ile425Met)

Gene: ATL1 (atlastin GTPase 1; plus strand). Cytogenetic location: 14q22.1.
Variant type: single nucleotide variant.
Coding change: c.1275A>G on transcript NM_015915.5 (MANE Select); coding-DNA position 1275, A replaced by G.
Protein change: p.Ile425Met; replaces isoleucine 425 with methionine.
Molecular consequence: missense variant.
Genome position (GRCh38, 1-based): chr14:50,628,186, A>G. VCF-style: chr14-50628186-A-G. GRCh37 (hg19) VCF-style: chr14-51094904-A-G.
Other names: c.1275A>G, p.Ile425Met (NM_001127713.1, NM_181598.4); short protein forms I425M.
Identifiers: ClinVar variation 471246 (VCV000471246.9), dbSNP rs1273371448, ClinGen allele CA389675920.